The following is an entry in ClinVar:

NM_002392.6(MDM2):c.560G>C (p.Arg187Thr)

Gene: MDM2 (MDM2 proto-oncogene; plus strand). Cytogenetic location: 12q15.
Variant type: single nucleotide variant.
Coding change: c.560G>C on transcript NM_002392.6 (MANE Select); coding-DNA position 560, G replaced by C.
Protein change: p.Arg187Thr; replaces arginine 187 with threonine.
Molecular consequence: missense variant. On other transcripts: intron variant (2).
Genome position (GRCh38, 1-based): chr12:68,828,807, G>C. VCF-style: chr12-68828807-G-C. GRCh37 (hg19) VCF-style: chr12-69222587-G-C.
Other names: c.542G>C, p.Arg181Thr (NM_001145337.3, NM_001367990.1); c.395G>C, p.Arg132Thr (NM_001145339.2); c.157-7022G>C (NM_001278462.2, NM_001145340.3); short protein forms R132T, R181T, R187T.
Identifiers: ClinVar variation 1025823 (VCV001025823.6), dbSNP rs776774609, ClinGen allele CA385706374.
Genomic context (GRCh38, chr12:68,828,807, plus strand): 5'-TATTTTTTTTCCTTACATATCCAGAAGAAAATTCAGATGAATTATCTGGTGAACGACAAA[G>C]AAAACGCCACAAATCTGATAGTATTTCCCTTTCCTTTGATGAAAGCCTGGCTCTGTGTGT-3'
Protein context (NP_002383.2, residues 177-197): NSDELSGERQ[Arg187Thr]KRHKSDSISL

ClinVar aggregate classification (germline): Uncertain significance (1 of 4 stars; one submission).

Conditions:
Accelerated tumor formation, susceptibility to (ACTFS). Identifiers: MedGen C3280690, OMIM 614401, MONDO:0013733.

Submission:

Labcorp Genetics (formerly Invitae), Labcorp
Classification: Uncertain significance for Accelerated tumor formation, susceptibility to. Last evaluated: 2024-02-17. Review status: criteria provided, single submitter. Criteria: Invitae Variant Classification Sherloc (09022015). Collection method: clinical testing. Allele origin: germline.
Comment: This sequence change replaces arginine, which is basic and polar, with threonine, which is neutral and polar, at codon 187 of the MDM2 protein (p.Arg187Thr). This variant is not present in population databases (gnomAD no frequency). This variant has not been reported in the literature in individuals affected with MDM2-related conditions. ClinVar contains an entry for this variant (Variation ID: 1025823). An algorithm developed to predict the effect of missense changes on protein structure and function (PolyPhen-2) suggests that this variant is likely to be disruptive. In summary, the available evidence is currently insufficient to determine the role of this variant in disease. Therefore, it has been classified as a Variant of Uncertain Significance.